The following is an entry in ClinVar:

NM_001319074.4(RAX2):c.411CCCGGG[3] (p.138PG[3])

Gene: RAX2 (retina and anterior neural fold homeobox 2; minus strand). Cytogenetic location: 19p13.3.
Variant type: Microsatellite.
Coding change: c.411CCCGGG[3] on transcript NM_001319074.4 (MANE Select); three copies in a row of the 6-base unit CCCGGG starting at c.411; the reference has two copies in a row; one copy, 6 bases duplicated.
Protein change: p.138PG[3].
Molecular consequence: inframe insertion.
Genome position (GRCh38, 1-based): chr19:3,770,754-3,770,759, CCCGGG duplicated on the plus strand (CCCGGG on the coding strand, the reverse complement: RAX2 is on the minus strand); duplicating any 6 consecutive bases within chr19:3,770,754-3,770,768 gives the same sequence; the position shown is the placement nearest the transcript's 3' end. VCF-style (leftmost placement, unchanged base first): chr19-3770753-C-CCCCGGG. GRCh37 (hg19) VCF-style: chr19-3770751-C-CCCCGGG.
Other names: p.Pro140_Gly141dup; c.411CCCGGG[3], p.138PG[3] (NM_032753.4); c.417_422dup6 (NM_032753.3).
Identifiers: ClinVar variation 1242 (VCV000001242.13), dbSNP rs549932754, ClinGen allele CA114877.

ClinVar aggregate classification (germline): Conflicting classifications of pathogenicity. Review status: criteria provided, conflicting classifications (1 of 4 stars). 5 submissions from 5 submitters: Likely pathogenic (1); Uncertain significance (1); Benign (1); Likely benign (1). 1 of the submissions does not count toward it. Last evaluated 2026-03-26.

Conditions:
RAX2-related disorder. Also called: RAX2-related condition; RAX2-related disorders.
Cone-rod dystrophy 11 (CORD11). Identifiers: Orphanet 1872, MedGen C1835865, MONDO:0012483, OMIM 610381.

Submissions (5):

PreventionGenetics, part of Exact Sciences
Classification: Uncertain significance for RAX2-related condition. Last evaluated: 2026-03-26. Review status: criteria provided, single submitter. Criteria: ACMG Guidelines, 2015. Collection method: clinical testing. Allele origin: germline.
Comment: The RAX2 c.417_422dup6 variant is predicted to result in an in-frame duplication (p.Pro140_Gly141dup). This variant has been reported in the heterozygous or homozygous state in individuals with cone-rod dystrophy (Wang et al. 2004. PubMed ID: 15028672; supplementary data, Yohe et al. 2019. PubMed ID: 31816670). This variant is present in 0.39% of alleles in individuals of South Asian descent in gnomAD, including 4 homozygotes in the latest dataset, which may be too frequent to be a primary cause of disease. Although we suspect that this variant may be benign, the clinical significance of this variant is currently classified as uncertain due to the absence of conclusive functional and genetic evidence.

Labcorp Genetics (formerly Invitae), Labcorp
Classification: Likely benign. Last evaluated: 2025-12-15. Review status: criteria provided, single submitter. Criteria: Invitae Variant Classification Sherloc (09022015). Collection method: clinical testing. Allele origin: germline.

Blueprint Genetics
Classification: Benign. Last evaluated: 2023-08-04. Review status: criteria provided, single submitter. Criteria: ACMG Guidelines, 2015. Collection method: clinical testing. Allele origin: germline.

Breakthrough Genomics
Classification: Likely pathogenic for Cone-rod dystrophy 11. Last evaluated: 2020-09-24. Review status: criteria provided, single submitter. Criteria: ACMG Guidelines, 2015. Collection method: clinical testing. Allele origin: germline. Affected: yes.
Comment: This variant (reported as, 140P_141Gdup) was previously reported in a patient with cone-rod dystrophy in heterozygous state and also identified in the proband's mother and two siblings with normal vision but possibility of mild CORD could not be excluded in them as mentioned in the article. Functional studies using co-immunoprecipitation analysis suggested proteins with the variant have decreased interaction with Crx and increased transactivation activity [PMID: 15028672].

OMIM
Classification: Pathogenic for CONE-ROD DYSTROPHY 11. Last evaluated: 2004-05-15. Review status: no assertion criteria provided. Collection method: literature only. Allele origin: germline. Not counted in ClinVar's aggregate classification.

Literature cited by the submitters: PubMed 15028672 (cited by OMIM).